The following is an entry in ClinVar:

ClinVar aggregate classification (germline): Conflicting classifications of pathogenicity. Review status: criteria provided, conflicting classifications (1 of 4 stars). 4 submissions from 4 submitters: Uncertain significance (1); Benign (1); Likely benign (2). Last evaluated 2025-12-22.

Allele frequency attached by ClinVar (database versions not stated): 1000 Genomes Project 30x 0.00016; 1000 Genomes Project 0.00020; gnomAD exomes 0.00033; ExAC 0.00060; gnomAD 0.00080 and 0.00084; ESP Exome Variant Server 0.00094; TOPMed 0.00095.
gnomAD v4.1: 360 of 1,586,930 alleles (0.023%); highest among the groups gnomAD compares: African/African-American, 0.28%; 1 homozygote.

Submissions (4):

Labcorp Genetics (formerly Invitae), Labcorp
Classification: Benign. Last evaluated: 2025-12-22. Review status: criteria provided, single submitter. Criteria: Invitae Variant Classification Sherloc (09022015). Collection method: clinical testing. Allele origin: germline.

Blueprint Genetics
Classification: Likely benign. Last evaluated: 2024-11-26. Review status: criteria provided, single submitter. Criteria: ACMG Guidelines, 2015. Collection method: clinical testing. Allele origin: germline.

CeGaT Center for Human Genetics Tuebingen
Classification: Likely benign. Last evaluated: 2023-05-01. Review status: criteria provided, single submitter. Criteria: CeGaT Center For Human Genetics Tuebingen Variant Classification Criteria Version 2. Collection method: clinical testing. Allele origin: germline. Affected: yes. Observed: 1 variant allele.
Comment: FSCN2: BP4, BP7

Eurofins Ntd Llc (ga)
Classification: Uncertain significance. Last evaluated: 2017-02-06. Review status: criteria provided, single submitter. Criteria: EGL Classification Definitions 2015. Collection method: clinical testing. Allele origin: germline. Observed: 1 variant allele, 1 heterozygote.

NM_012418.4(FSCN2):c.492C>T (p.Asp164=)

Gene: FSCN2 (fascin actin-bundling protein 2, retinal; plus strand). Cytogenetic location: 17q25.3.
Variant type: single nucleotide variant.
Coding change: c.492C>T on transcript NM_012418.4 (MANE Select); coding-DNA position 492, C replaced by T.
Protein change: p.Asp164=; no amino-acid change (aspartic acid 164 retained).
Molecular consequence: synonymous variant.
Genome position (GRCh38, 1-based): chr17:81,529,023, C>T. VCF-style: chr17-81529023-C-T. GRCh37 (hg19) VCF-style: chr17-79496049-C-T.
Other names: c.492C>T, p.Asp164= (NM_001077182.3).
Identifiers: ClinVar variation 499950 (VCV000499950.41), dbSNP rs370382419, ClinGen allele CA8836699.